The following is an entry in ClinVar:

NM_152743.4(BRAT1):c.2351T>C (p.Leu784Pro)

Gene: BRAT1 (BRCA1 associated ATM activator 1; minus strand). Cytogenetic location: 7p22.3.
Variant type: single nucleotide variant.
Coding change: c.2351T>C on transcript NM_152743.4 (MANE Select); coding-DNA position 2351, T replaced by C.
Protein change: p.Leu784Pro; replaces leucine 784 with proline.
Molecular consequence: missense variant. On other transcripts: non-coding transcript variant (1).
Genome position (GRCh38, 1-based): chr7:2,538,184, A>G on the plus strand (T>C on the coding strand, the complement: BRAT1 is on the minus strand). VCF-style: chr7-2538184-A-G. GRCh37 (hg19) VCF-style: chr7-2577818-A-G.
Other names: c.2531T>C, p.Leu844Pro (NM_001350626.2); c.1826T>C, p.Leu609Pro (NM_001350627.2); short protein forms L609P, L844P, L784P.
Identifiers: ClinVar variation 641039 (VCV000641039.6), dbSNP rs1360273346, ClinGen allele CA366623030.

ClinVar aggregate classification (germline): Uncertain significance (1 of 4 stars; one submission).

Conditions:
Neonatal-onset encephalopathy with rigidity and seizures. Also called: Lethal neonatal spasticity-epileptic encephalopathy syndrome. Identifiers: Orphanet 435845, MedGen C3281029, MONDO:0013784, OMIM 614498.

Allele frequency attached by ClinVar (database versions not stated): TOPMed below 0.00001; gnomAD 0.00001; gnomAD exomes 0.00001.
gnomAD v4.1: 28 of 1,609,228 alleles (0.0017%); highest among the groups gnomAD compares: Non-Finnish European, 0.0024%; no homozygotes.

Submission:

Labcorp Genetics (formerly Invitae), Labcorp
Classification: Uncertain significance for Neonatal-onset encephalopathy with rigidity and seizures. Last evaluated: 2022-09-01. Review status: criteria provided, single submitter. Criteria: Invitae Variant Classification Sherloc (09022015). Collection method: clinical testing. Allele origin: germline.
Comment: Algorithms developed to predict the effect of missense changes on protein structure and function are either unavailable or do not agree on the potential impact of this missense change (SIFT: "Deleterious"; PolyPhen-2: "Probably Damaging"; Align-GVGD: "Class C15"). In summary, the available evidence is currently insufficient to determine the role of this variant in disease. Therefore, it has been classified as a Variant of Uncertain Significance. ClinVar contains an entry for this variant (Variation ID: 641039). This variant has not been reported in the literature in individuals affected with BRAT1-related conditions. The frequency data for this variant in the population databases is considered unreliable, as metrics indicate poor data quality at this position in the gnomAD database. This sequence change replaces leucine, which is neutral and non-polar, with proline, which is neutral and non-polar, at codon 784 of the BRAT1 protein (p.Leu784Pro).